The following is an entry in ClinVar:

ClinVar aggregate classification (germline): Pathogenic (1 of 4 stars; one submission).

Conditions:
Fanconi anemia (FA). Also called: Fanconi's anemia. Identifiers: Orphanet 84, MedGen C0015625, MeSH D005199, MONDO:0019391.

Submission:

Labcorp Genetics (formerly Invitae), Labcorp
Classification: Pathogenic for Fanconi anemia. Last evaluated: 2022-05-04. Review status: criteria provided, single submitter. Criteria: Invitae Variant Classification Sherloc (09022015). Collection method: clinical testing. Allele origin: germline.
Comment: This variant has not been reported in the literature in individuals affected with FANCD2-related conditions. For these reasons, this variant has been classified as Pathogenic. This variant is not present in population databases (gnomAD no frequency). This sequence change creates a premature translational stop signal (p.Phe284Valfs*13) in the FANCD2 gene. It is expected to result in an absent or disrupted protein product. Loss-of-function variants in FANCD2 are known to be pathogenic (PMID: 17436244).

Literature cited by the submitters: PubMed 17436244.

NM_001018115.3(FANCD2):c.848dup (p.Phe284fs)

Genes: FANCD2 (FA complementation group D2; plus strand), LOC107303338 (3p25 FANCD2 Alu-mediated recombination region; plus strand). Cytogenetic location: 3p25.3.
Variant type: Duplication.
Coding change: c.848dup on transcript NM_001018115.3 (MANE Select); coding-DNA position 848, one base duplicated (A; older notation c.848dupA).
Protein change: p.Phe284fs; shifts the reading frame from phenylalanine 284.
Molecular consequence: frameshift variant.
Genome position (GRCh38, 1-based): chr3:10,042,623, A duplicated; the last of 3 consecutive A bases (chr3:10,042,621-10,042,623); duplicating any one gives the same sequence. VCF-style (leftmost placement, unchanged base first): chr3-10042620-T-TA. GRCh37 (hg19) VCF-style: chr3-10084304-T-TA.
Other names: c.848dup, p.Phe284fs (NM_001319984.2, NM_001374253.1, NM_001374254.1 and 1 more transcripts); short protein forms F284fs.
Identifiers: ClinVar variation 2133517 (VCV002133517.4), dbSNP rs2470753672, ClinGen allele CA2580068371.